The following is an entry in ClinVar:

ClinVar aggregate classification (germline): Pathogenic. Review status: criteria provided, multiple submitters, no conflicts (2 of 4 stars). 4 submissions from 4 submitters: Pathogenic (4). Last evaluated 2021-04-20.

Conditions:
Duchenne muscular dystrophy (DMD). Also called: MUSCULAR DYSTROPHY, PSEUDOHYPERTROPHIC PROGRESSIVE, DUCHENNE TYPE; Duchenne Muscular Dystrophy (DMD). Identifiers: Orphanet 98896, MedGen C0013264, MONDO:0010679, OMIM 310200.

Submissions (4):

Kariminejad - Najmabadi Pathology & Genetics Center
Classification: Pathogenic for Duchenne muscular dystrophy. Last evaluated: 2021-04-20. Review status: criteria provided, single submitter. Criteria: ACMG Guidelines, 2015. Collection method: clinical testing. Allele origin: germline. Inheritance: X-linked inheritance. Affected: yes.
Comment: PVS1, PM2, PP3, PP5

Labcorp Genetics (formerly Invitae), Labcorp
Classification: Pathogenic for Duchenne muscular dystrophy. Last evaluated: 2020-11-02. Review status: criteria provided, single submitter. Criteria: Invitae Variant Classification Sherloc (09022015). Collection method: clinical testing. Allele origin: germline.
Comment: This variant is not present in population databases (ExAC no frequency). This sequence change creates a premature translational stop signal (p.Trp2960*) in the DMD gene. It is expected to result in an absent or disrupted protein product. Loss-of-function variants in DMD are known to be pathogenic (PMID: 16770791, 25007885). This variant has been observed in individual(s) with DMD-related conditions (PMID: 19959795). ClinVar contains an entry for this variant (Variation ID: 439612). For these reasons, this variant has been classified as Pathogenic.

Eurofins Ntd Llc (ga)
Classification: Pathogenic. Last evaluated: 2018-05-08. Review status: criteria provided, single submitter. Criteria: EGL ClinVar v180209 classification definitions. Collection method: clinical testing. Allele origin: germline. Observed: 1 variant allele, 1 hemizygote.

ARUP Laboratories, Molecular Genetics and Genomics, ARUP Laboratories
Classification: Pathogenic. Last evaluated: 2017-04-25. Review status: criteria provided, single submitter. Criteria: ARUP Molecular Germline Variant Investigation Process. Collection method: clinical testing. Allele origin: germline.

Literature cited by the submitters: PubMed 16770791 (cited by Labcorp Genetics (formerly Invitae), Labcorp); PubMed 25007885 (cited by Labcorp Genetics (formerly Invitae), Labcorp); PubMed 19959795 (cited by Labcorp Genetics (formerly Invitae), Labcorp).

NM_004006.3(DMD):c.8880G>A (p.Trp2960Ter)

Gene: DMD (dystrophin; minus strand). Cytogenetic location: Xp21.2.
Variant type: single nucleotide variant.
Coding change: c.8880G>A on transcript NM_004006.3 (MANE Select); coding-DNA position 8880, G replaced by A.
Protein change: p.Trp2960Ter; replaces tryptophan 2960 with a stop codon.
Molecular consequence: nonsense.
Genome position (GRCh38, 1-based): chrX:31,478,163, C>T on the plus strand (G>A on the coding strand, the complement: DMD is on the minus strand). VCF-style: chrX-31478163-C-T. GRCh37 (hg19) VCF-style: chrX-31496280-C-T.
Other names: c.8856G>A, p.Trp2952Ter (NM_000109.4); c.8868G>A, p.Trp2956Ter (NM_004009.3); c.8511G>A, p.Trp2837Ter (NM_004010.3); c.4857G>A, p.Trp1619Ter (NM_004011.4); c.4848G>A, p.Trp1616Ter (NM_004012.4); c.1500G>A, p.Trp500Ter (NM_004013.3, NM_004020.4, NM_004021.3 and 2 more transcripts); c.693G>A, p.Trp231Ter (NM_004014.3); short protein forms W2960*, W1616*, W2952*, W2956*, W1619*, W2837*, W231*, W500*.
Identifiers: ClinVar variation 439612 (VCV000439612.21), dbSNP rs1556656184, ClinGen allele CA412653956.